The following is an entry in ClinVar:

NM_001063.4(TF):c.1109A>G (p.Glu370Gly)

Gene: TF (transferrin; plus strand). Cytogenetic location: 3q22.1.
Variant type: single nucleotide variant.
Coding change: c.1109A>G on transcript NM_001063.4 (MANE Select); coding-DNA position 1109, A replaced by G.
Protein change: p.Glu370Gly; replaces glutamic acid 370 with glycine.
Molecular consequence: missense variant.
Genome position (GRCh38, 1-based): chr3:133,759,235, A>G. VCF-style: chr3-133759235-A-G. GRCh37 (hg19) VCF-style: chr3-133478079-A-G.
Other names: c.977A>G, p.Glu326Gly (NM_001354703.2); c.728A>G, p.Glu243Gly (NM_001354704.2); short protein forms E243G, E370G, E326G.
Identifiers: ClinVar variation 3657682 (VCV003657682.2).
Genomic context (GRCh38, chr3:133,759,235, plus strand): 5'-GCCCAGAAGCCCCAACAGATGAATGCAAGCCTGTGAAGTGGTGTGCGCTGAGCCACCACG[A>G]GAGGCTCAAGTGTGATGAGTGGAGTGTTAACAGTGTAGGGAAAATAGAGTGTGTATCAGC-3'
Protein context (NP_001054.2, residues 360-380): PVKWCALSHH[Glu370Gly]RLKCDEWSVN

ClinVar aggregate classification (germline): Uncertain significance (1 of 4 stars; one submission).

Submission:

Labcorp Genetics (formerly Invitae), Labcorp
Classification: Uncertain significance. Last evaluated: 2024-06-24. Review status: criteria provided, single submitter. Criteria: Invitae Variant Classification Sherloc (09022015). Collection method: clinical testing. Allele origin: germline.
Comment: This sequence change replaces glutamic acid, which is acidic and polar, with glycine, which is neutral and non-polar, at codon 370 of the TF protein (p.Glu370Gly). This variant is not present in population databases (gnomAD no frequency). This variant has not been reported in the literature in individuals affected with TF-related conditions. Advanced modeling of protein sequence and biophysical properties (such as structural, functional, and spatial information, amino acid conservation, physicochemical variation, residue mobility, and thermodynamic stability) performed at Invitae indicates that this missense variant is expected to disrupt TF protein function with a positive predictive value of 80%. In summary, the available evidence is currently insufficient to determine the role of this variant in disease. Therefore, it has been classified as a Variant of Uncertain Significance.